The following is an entry in ClinVar:

NM_002109.6(HARS1):c.1031C>A (p.Pro344Gln)

Gene: HARS1 (histidyl-tRNA synthetase 1; minus strand). Cytogenetic location: 5q31.3.
Variant type: single nucleotide variant.
Coding change: c.1031C>A on transcript NM_002109.6 (MANE Select); coding-DNA position 1031, C replaced by A.
Protein change: p.Pro344Gln; replaces proline 344 with glutamine.
Molecular consequence: missense variant.
Genome position (GRCh38, 1-based): chr5:140,676,817, G>T on the plus strand (C>A on the coding strand, the complement: HARS1 is on the minus strand). VCF-style: chr5-140676817-G-T. GRCh37 (hg19) VCF-style: chr5-140056402-G-T.
Other names: c.911C>A, p.Pro304Gln (NM_001258040.3); c.971C>A, p.Pro324Gln (NM_001258041.3); c.851C>A, p.Pro284Gln (NM_001258042.3); c.809C>A, p.Pro270Gln (NM_001289092.2); c.689C>A, p.Pro230Gln (NM_001289093.2); c.944C>A, p.Pro315Gln (NM_001289094.2); c.1031C>A (NM_002109.3); short protein forms P230Q, P270Q, P284Q, P304Q, P315Q, P324Q, P344Q.
Identifiers: ClinVar variation 1054032 (VCV001054032.10), dbSNP rs146571500, ClinGen allele CA3443937.

ClinVar aggregate classification (germline): Uncertain significance. Review status: criteria provided, multiple submitters, no conflicts (2 of 4 stars). 2 submissions from 2 submitters: Uncertain significance (2). Last evaluated 2025-05-04.

Conditions:
Usher syndrome type 3B. Also called: USHER SYNDROME, TYPE IIIB. Identifiers: MedGen C3281066, MONDO:0013788, OMIM 614504.

Allele frequency attached by ClinVar (database versions not stated): gnomAD 0.00001 and 0.00002; gnomAD exomes 0.00001 and 0.00002; TOPMed 0.00002; ExAC 0.00004; ESP Exome Variant Server 0.00008.
gnomAD v4.1: 16 of 1,614,140 alleles (0.00099%); highest among the groups gnomAD compares: Non-Finnish European, 0.0013%; no homozygotes.

Submissions (2):

Ambry Genetics
Classification: Uncertain significance. Last evaluated: 2025-05-04. Review status: criteria provided, single submitter. Criteria: Ambry Variant Classification Scheme 2023. Collection method: clinical testing. Allele origin: germline.

Labcorp Genetics (formerly Invitae), Labcorp
Classification: Uncertain significance for Usher syndrome type 3B. Last evaluated: 2024-03-09. Review status: criteria provided, single submitter. Criteria: Invitae Variant Classification Sherloc (09022015). Collection method: clinical testing. Allele origin: germline.
Comment: This sequence change replaces proline, which is neutral and non-polar, with glutamine, which is neutral and polar, at codon 344 of the HARS protein (p.Pro344Gln). This variant is present in population databases (rs146571500, gnomAD 0.006%). This variant has not been reported in the literature in individuals affected with HARS-related conditions. ClinVar contains an entry for this variant (Variation ID: 1054032). An algorithm developed to predict the effect of missense changes on protein structure and function (PolyPhen-2) suggests that this variant is likely to be tolerated. In summary, the available evidence is currently insufficient to determine the role of this variant in disease. Therefore, it has been classified as a Variant of Uncertain Significance.